The following is an entry in ClinVar:

NM_002187.3(IL12B):c.749G>A (p.Arg250Gln)

Gene: IL12B (interleukin 12B; minus strand). Cytogenetic location: 5q33.3.
Variant type: single nucleotide variant.
Coding change: c.749G>A on transcript NM_002187.3 (MANE Select); coding-DNA position 749, G replaced by A.
Protein change: p.Arg250Gln; replaces arginine 250 with glutamine.
Molecular consequence: missense variant.
Genome position (GRCh38, 1-based): chr5:159,318,842, C>T on the plus strand (G>A on the coding strand, the complement: IL12B is on the minus strand). VCF-style: chr5-159318842-C-T. GRCh37 (hg19) VCF-style: chr5-158745850-C-T.
Other names: short protein forms R250Q.
Identifiers: ClinVar variation 541815 (VCV000541815.55), dbSNP rs74644143, ClinGen allele CA3538724.

ClinVar aggregate classification (germline): Conflicting classifications of pathogenicity. Review status: criteria provided, conflicting classifications (1 of 4 stars). 4 submissions from 4 submitters: Uncertain significance (2); Likely benign (2). Last evaluated 2026-01-06.

Conditions:
Mendelian susceptibility to mycobacterial diseases due to complete IL12B deficiency. Also called: IL12B DEFICIENCY; Immunodeficiency 29. Identifiers: Orphanet 319558, MedGen C4013948, MONDO:0013954, OMIM 614890.

Allele frequency attached by ClinVar (database versions not stated): gnomAD exomes 0.00018 and 0.00046; ExAC 0.00059; 1000 Genomes Project 30x 0.00156; ESP Exome Variant Server 0.00177; 1000 Genomes Project 0.00180; gnomAD 0.00187 and 0.00203; TOPMed 0.00198.
gnomAD v4.1: 540 of 1,613,958 alleles (0.033%); highest among the groups gnomAD compares: African/African-American, 0.65%; no homozygotes.

Submissions (4):

Labcorp Genetics (formerly Invitae), Labcorp
Classification: Likely benign for Mendelian susceptibility to mycobacterial diseases due to complete IL12B deficiency. Last evaluated: 2026-01-06. Review status: criteria provided, single submitter. Criteria: Invitae Variant Classification Sherloc (09022015). Collection method: clinical testing. Allele origin: germline.

Blueprint Genetics
Classification: Likely benign. Last evaluated: 2023-12-28. Review status: criteria provided, single submitter. Criteria: ACMG Guidelines, 2015. Collection method: clinical testing. Allele origin: germline.

Center for Genomics, Ann and Robert H. Lurie Children's Hospital of Chicago
Classification: Uncertain significance for Mendelian susceptibility to mycobacterial diseases due to complete IL12B deficiency. Last evaluated: 2021-03-30. Review status: criteria provided, single submitter. Criteria: ACMG Guidelines, 2015. Collection method: clinical testing. Allele origin: germline.
Comment: IL12B NM_002187.2 exon 6 p.Arg250Gln (c.749G>A): This variant has not been reported in the literature and is present in 0.6% (167/24966) of African alleles in the Genome Aggregation Database. This variant is present in ClinVar (Variation ID:541815). This variant amino acid Glutamine (Gln) is present in several species including multiple mammals, and it is not well conserved among evolutionarily distant species; this suggests that this variant may not impact the protein. Additional computational prediction tools do not suggest an impact. In summary, data on this variant is insufficient for disease classification. Therefore, the clinical significance of this variant is uncertain.

CeGaT Center for Human Genetics Tuebingen
Classification: Uncertain significance. Last evaluated: 2019-08-01. Review status: criteria provided, single submitter. Criteria: CeGaT Center For Human Genetics Tuebingen Variant Classification Criteria Version 2. Collection method: clinical testing. Allele origin: germline. Affected: yes. Observed: 1 variant allele.